The following is an entry in ClinVar:

NM_177438.3(DICER1):c.4190G>A (p.Trp1397Ter)

Gene: DICER1 (dicer 1, ribonuclease III; minus strand). Cytogenetic location: 14q32.13.
Variant type: single nucleotide variant.
Coding change: c.4190G>A on transcript NM_177438.3 (MANE Select); coding-DNA position 4190, G replaced by A.
Protein change: p.Trp1397Ter; replaces tryptophan 1397 with a stop codon.
Molecular consequence: nonsense.
Genome position (GRCh38, 1-based): chr14:95,099,796, C>T on the plus strand (G>A on the coding strand, the complement: DICER1 is on the minus strand). VCF-style: chr14-95099796-C-T. GRCh37 (hg19) VCF-style: chr14-95566133-C-T.
Other names: c.4190G>A, p.Trp1397Ter (NM_001195573.1, NM_001271282.3, NM_001291628.2 and 1 more transcripts); short protein forms W1397*.
Identifiers: ClinVar variation 254331 (VCV000254331.6), dbSNP rs886037711, ClinGen allele CA10586419.

ClinVar aggregate classification (germline): Pathogenic. Review status: criteria provided, multiple submitters, no conflicts (2 of 4 stars). 3 submissions from 3 submitters: Pathogenic (3). Last evaluated 2019-07-01.

Conditions:
DICER1-related tumor predisposition. Also called: DICER1 syndrome; DICER1-related pleuropulmonary blastoma cancer predisposition syndrome. Identifiers: Orphanet 284343, MedGen C3839822, MONDO:0100216.
Hereditary cancer-predisposing syndrome. Also called: Tumor predisposition; Hereditary Cancer Syndrome; Neoplastic Syndromes, Hereditary; Hereditary neoplastic syndrome. Identifiers: Orphanet 140162, MedGen C0027672, MeSH D009386, MONDO:0015356.

Submissions (3):

Foulkes Cancer Genetics LDI, Lady Davis Institute for Medical Research
Classification: Pathogenic for Pleuropulmonary blastoma. Last evaluated: 2019-07-01. Review status: criteria provided, single submitter. Criteria: ACMG Guidelines, 2015. Collection method: curation. Allele origin: germline. Affected: yes. Observed: 1 variant allele.
Comment: ACMG criteria met: PVS1, PM2, PP4

International Pleuropulmonary Blastoma Registry, Children's Hospitals and Clinics of Minnesota
Classification: Pathogenic for Pleuropulmonary blastoma. Last evaluated: 2014-11-10. Review status: criteria provided, single submitter. Criteria: Hill et al. (Science. 2009). Collection method: clinical testing. Allele origin: germline. Affected: yes. Study: PPB-DICER1 Genetic study.

Ambry Genetics
Classification: Pathogenic for Hereditary cancer-predisposing syndrome. Last evaluated: 2011-09-30. Review status: criteria provided, single submitter. Criteria: Ambry Autosomal Dominant and X-Linked criteria (10/2015). Collection method: clinical testing. Allele origin: germline. Observed: 1 variant allele.
Comment: This alteration is expected to result in loss of function by premature protein truncation or nonsense-mediatedâ€¯mRNAâ€¯decay.â€¯As such, this alteration is interpreted as a disease-causing mutation.

Literature cited by the submitters: PubMed 26925222 (cited by Foulkes Cancer Genetics LDI, Lady Davis Institute for Medical Research and International Pleuropulmonary Blastoma Registry, Children's Hospitals and Clinics of Minnesota).